The following is an entry in ClinVar:

NM_000077.5(CDKN2A):c.329G>A (p.Trp110Ter)

Gene: CDKN2A (cyclin dependent kinase inhibitor 2A; minus strand). Cytogenetic location: 9p21.3.
Variant type: single nucleotide variant.
Coding change: c.329G>A on transcript NM_000077.5; coding-DNA position 329, G replaced by A.
Protein change: p.Trp110Ter; replaces tryptophan 110 with a stop codon.
Molecular consequence: nonsense (on NM_000077.6). On other transcripts: synonymous variant (1), 3 prime UTR variant (1).
Genome position (GRCh38, 1-based): chr9:21,971,030, C>T on the plus strand (G>A on the coding strand, the complement: CDKN2A is on the minus strand). VCF-style: chr9-21971030-C-T. GRCh37 (hg19) VCF-style: chr9-21971029-C-T.
Other names: c.329G>A, p.Trp110Ter (NM_000077.6, NM_001195132.2); c.176G>A, p.Trp59Ter (NM_001363763.2); c.372G>A, p.Leu124= (NM_058195.4); c.*252G>A (NM_058197.5); short protein forms W110*, W59*.
Identifiers: ClinVar variation 376304 (VCV000376304.5), dbSNP rs1057519852, ClinGen allele CA16602750.
Genomic context (GRCh38, chr9:21,971,030, plus strand): 5'-AGGTACCGTGCGACATCGCGATGGCCCAGCTCCTCAGCCAGGTCCACGGGCAGACGGCCC[C>T]AGGCATCGCGCACGTCCAGCCGCGCCCCGGCCCGGTGCAGCACCACCAGCGTGTCCAGGA-3'

ClinVar aggregate classification (germline): Pathogenic. Review status: criteria provided, multiple submitters, no conflicts (2 of 4 stars). 2 submissions from 2 submitters: Pathogenic (2). Last evaluated 2023-06-16.

Conditions:
Familial melanoma. Also called: Hereditary melanoma; Hereditary cutaneous melanoma. Identifiers: Orphanet 618, MedGen C1512419, MONDO:0018961.

Submissions (2):

Labcorp Genetics (formerly Invitae), Labcorp
Classification: Pathogenic for Familial melanoma. Last evaluated: 2023-06-16. Review status: criteria provided, single submitter. Criteria: Invitae Variant Classification Sherloc (09022015). Collection method: clinical testing. Allele origin: germline.
Comment: For these reasons, this variant has been classified as Pathogenic. While the evidence indicates that this variant confers risk of developing CDKN2A (p16INK4a)-associated conditions, its association with risk for developing CDKN2A (p14ARF)-associated conditions is still unclear. The CDKN2A gene encodes two different proteins, p16INK4a and p14ARF, which are translated from alternative transcripts with different open reading frames. Both transcripts have been analyzed. We report either the variant with the higher classification or default to the CDKN2A (p16INK4a) variant. This report therefore includes the details for the CDKN2A (p16INK4a) variant. ClinVar contains an entry for this variant (Variation ID: 376304). This variant is also known as c.372G>A (Silent) in CDKN2A (p14ARF) transcript. This variant has not been reported in the literature in individuals affected with CDKN2A (p16INK4a)-related conditions. This variant is not present in population databases (gnomAD no frequency). This sequence change creates a premature translational stop signal (p.Trp110*) in the CDKN2A (p16INK4a) gene. It is expected to result in an absent or disrupted protein product. Loss-of-function variants in CDKN2A (p16INK4a) are known to be pathogenic (PMID: 15146471, 16905682).

GeneDx
Classification: Pathogenic. Last evaluated: 2017-06-29. Review status: criteria provided, single submitter. Criteria: GeneDx Variant Classification (06012015). Collection method: clinical testing. Allele origin: germline. Affected: yes.
Comment: This variant is denoted CDKN2A c.329G>A at the cDNA level and p.Trp110Ter (W110X) at the protein level. The CDKN2A gene encodes the p16 protein, and using an alternate reading frame, the p14ARF protein as well. Although this variant is encoded in both proteins, the effect on the p14ARF protein is the synonymous change Leu124=. However, in regard to p16, the substitution creates a nonsense variant, which changes a Tryptophan to a premature stop codon (TGG>TAG), and is predicted to cause loss of normal protein function through either protein truncation or nonsense-mediated mRNA decay. CDKN2A Trp110Ter has been shown to result in the absence of wild type p16 expression and lead to defective cell cycle arrest (Arap 1997, Krimpenfort 2001). Based on the currently available evidence, CDKN2A Trp110Ter is considered pathogenic.

Literature cited by the submitters: PubMed 15146471 (cited by Labcorp Genetics (formerly Invitae), Labcorp); PubMed 16905682 (cited by Labcorp Genetics (formerly Invitae), Labcorp).